The following is an entry in ClinVar:

ClinVar aggregate classification (germline): Likely pathogenic (1 of 4 stars; one submission).

Conditions:
Congenital myasthenic syndrome 5. Identifiers: Orphanet 590, MedGen C1864233, MONDO:0011281, OMIM 603034.

Submission:

Labcorp Genetics (formerly Invitae), Labcorp
Classification: Likely pathogenic for Congenital myasthenic syndrome 5. Last evaluated: 2022-01-31. Review status: criteria provided, single submitter. Criteria: Invitae Variant Classification Sherloc (09022015). Collection method: clinical testing. Allele origin: germline.
Comment: In summary, the currently available evidence indicates that the variant is pathogenic, but additional data are needed to prove that conclusively. Therefore, this variant has been classified as Likely Pathogenic. Algorithms developed to predict the effect of sequence changes on RNA splicing suggest that this variant may disrupt the consensus splice site. This variant has not been reported in the literature in individuals affected with COLQ-related conditions. This variant is not present in population databases (gnomAD no frequency). This sequence change affects a splice site in intron 1 of the COLQ gene. It is expected to disrupt RNA splicing. Variants that disrupt the donor or acceptor splice site typically lead to a loss of protein function (PMID: 16199547), and loss-of-function variants in COLQ are known to be pathogenic (PMID: 22678886).

Literature cited by the submitters: PubMed 16199547; PubMed 22678886.

NM_005677.4(COLQ):c.106+2_106+10del

Gene: COLQ (collagen like tail subunit of asymmetric acetylcholinesterase; minus strand). Cytogenetic location: 3p25.1.
Variant type: Deletion.
Coding change: c.106+2_106+10del on transcript NM_005677.4 (MANE Select); the canonical splice donor site of the intron after coding-DNA position 106 through 10 bases into the intron after coding-DNA position 106, 9 bases deleted (TAAATGATG; older notation c.106+2_106+10delTAAATGATG).
Molecular consequence: splice donor variant.
Genome position (GRCh38, 1-based): chr3:15,521,510-15,521,518, CATCATTTA deleted on the plus strand (TAAATGATG on the coding strand, the reverse complement: COLQ is on the minus strand); deleting any 9 consecutive bases within chr3:15,521,510-15,521,519 gives the same sequence; the c. name uses the placement nearest the transcript's 3' end. VCF-style (leftmost placement, unchanged base first): chr3-15521509-CCATCATTTA-C. GRCh37 (hg19) VCF-style: chr3-15563016-CCATCATTTA-C.
Other names: c.106+2_106+10del (NM_080539.4).
Identifiers: ClinVar variation 1917100 (VCV001917100.7), dbSNP rs2471011487, ClinGen allele CA2580068501.